The following is an entry in ClinVar:

NM_006031.6(PCNT):c.5995-6G>T

Gene: PCNT (pericentrin; plus strand). Cytogenetic location: 21q22.3.
Variant type: single nucleotide variant.
Coding change: c.5995-6G>T on transcript NM_006031.6 (MANE Select); 6 bases into the intron before coding-DNA position 5995, G replaced by T.
Molecular consequence: intron variant.
Genome position (GRCh38, 1-based): chr21:46,412,831, G>T. VCF-style: chr21-46412831-G-T. GRCh37 (hg19) VCF-style: chr21-47832745-G-T.
Other names: c.5641-6G>T (NM_001315529.2); c.5995-6G>T (NM_006031.5).
Identifiers: ClinVar variation 2893584 (VCV002893584.4), dbSNP rs753903146, ClinGen allele CA638499715.
Genomic context (GRCh38, chr21:46,412,831, plus strand): 5'-CACCTGAGGGGCAGCCCCAGCAACAGCCTCCTGCATGCTCAGCTTTCCTCTGTCTCCTCT[G>T]TCAAGGGTGATCTGCAGCCTGTCCTGGTGACGTTGAAGGATGCACCTCTCTGCAAGCAAG-3'

ClinVar aggregate classification (germline): Likely benign. Review status: criteria provided, multiple submitters, no conflicts (2 of 4 stars). 2 submissions from 2 submitters: Likely benign (2). Last evaluated 2025-06-04.

Conditions:
PCNT-related disorder. Also called: PCNT-related condition.

gnomAD v4.1: 10 of 1,610,514 alleles (0.00062%); highest among the groups gnomAD compares: Non-Finnish European, 0.00068%; no homozygotes.

Submissions (2):

PreventionGenetics, part of Exact Sciences
Classification: Likely benign for PCNT-related condition. Last evaluated: 2025-06-04. Review status: criteria provided, single submitter. Criteria: ACMG Guidelines, 2015. Collection method: clinical testing. Allele origin: germline.
Comment: This variant is classified as likely benign based on ACMG/AMP sequence variant interpretation guidelines (Richards et al. 2015 PMID: 25741868, with internal and published modifications).

Labcorp Genetics (formerly Invitae), Labcorp
Classification: Likely benign. Last evaluated: 2024-02-22. Review status: criteria provided, single submitter. Criteria: Invitae Variant Classification Sherloc (09022015). Collection method: clinical testing. Allele origin: germline.